The following is an entry in ClinVar:

NM_000557.5(GDF5):c.136G>C (p.Glu46Gln)

Gene: GDF5 (growth differentiation factor 5; minus strand). Cytogenetic location: 20q11.22.
Variant type: single nucleotide variant.
Coding change: c.136G>C on transcript NM_000557.5 (MANE Select); coding-DNA position 136, G replaced by C.
Protein change: p.Glu46Gln; replaces glutamic acid 46 with glutamine.
Molecular consequence: missense variant.
Genome position (GRCh38, 1-based): chr20:35,437,793, C>G on the plus strand (G>C on the coding strand, the complement: GDF5 is on the minus strand). VCF-style: chr20-35437793-C-G. GRCh37 (hg19) VCF-style: chr20-34025573-C-G.
Other names: c.136G>C, p.Glu46Gln (NM_001319138.2); short protein forms E46Q.
Identifiers: ClinVar variation 1714140 (VCV001714140.5), dbSNP rs2515427242, ClinGen allele CA408745044.
Genomic context (GRCh38, chr20:35,437,793, plus strand): 5'-CATAGCTGTGACCCCCTGGCCTGAAGACGTTCCGGGCCAGGGGGGGCCTCTCCTTGGCCT[C>G]TGCTTTGGCCAATCCTGGCCTGGTCCCCTGGGGTCTCTGGCCCAAGTCAGGGGCACCCAA-3'
Protein context (NP_000548.2, residues 36-56): QGTRPGLAKA[Glu46Gln]AKERPPLARN

ClinVar aggregate classification (germline): Uncertain significance (1 of 4 stars; one submission).

Submission:

Labcorp Genetics (formerly Invitae), Labcorp
Classification: Uncertain significance. Last evaluated: 2024-04-29. Review status: criteria provided, single submitter. Criteria: Invitae Variant Classification Sherloc (09022015). Collection method: clinical testing. Allele origin: germline.
Comment: This sequence change replaces glutamic acid, which is acidic and polar, with glutamine, which is neutral and polar, at codon 46 of the GDF5 protein (p.Glu46Gln). This variant is not present in population databases (gnomAD no frequency). This variant has not been reported in the literature in individuals affected with GDF5-related conditions. ClinVar contains an entry for this variant (Variation ID: 1714140). An algorithm developed to predict the effect of missense changes on protein structure and function (PolyPhen-2) suggests that this variant is likely to be disruptive. In summary, the available evidence is currently insufficient to determine the role of this variant in disease. Therefore, it has been classified as a Variant of Uncertain Significance.